The following is an entry in ClinVar:

NM_007332.3(TRPA1):c.327C>A (p.Asn109Lys)

Gene: TRPA1 (transient receptor potential cation channel subfamily A member 1; minus strand). Cytogenetic location: 8q21.11.
Variant type: single nucleotide variant.
Coding change: c.327C>A on transcript NM_007332.3 (MANE Select); coding-DNA position 327, C replaced by A.
Protein change: p.Asn109Lys; replaces asparagine 109 with lysine.
Molecular consequence: missense variant.
Genome position (GRCh38, 1-based): chr8:72,069,140, G>T on the plus strand (C>A on the coding strand, the complement: TRPA1 is on the minus strand). VCF-style: chr8-72069140-G-T. GRCh37 (hg19) VCF-style: chr8-72981375-G-T.
Other names: short protein forms N109K.
Identifiers: ClinVar variation 719421 (VCV000719421.34), dbSNP rs61753713, ClinGen allele CA4781264.

ClinVar aggregate classification (germline): Likely benign. Review status: criteria provided, multiple submitters, no conflicts (2 of 4 stars). 4 submissions from 4 submitters: Likely benign (4). Last evaluated 2026-07-01.

Allele frequency attached by ClinVar (database versions not stated): ExAC 0.00267; gnomAD 0.00267 and 0.00261; gnomAD exomes 0.00288; ESP Exome Variant Server 0.00315; 1000 Genomes Project 0.00200; 1000 Genomes Project 30x 0.00203; TOPMed 0.00244.

Submissions (4):

CeGaT Center for Human Genetics Tuebingen
Classification: Likely benign. Last evaluated: 2026-07-01. Review status: criteria provided, single submitter. Criteria: CeGaT Center For Human Genetics Tuebingen Variant Classification Criteria Version 2. Collection method: clinical testing. Allele origin: germline. Affected: yes. Observed: 13 variant alleles.
Comment: TRPA1: BP4, BS2

Women's Health and Genetics/Laboratory Corporation of America, LabCorp
Classification: Likely benign. Last evaluated: 2025-10-27. Review status: criteria provided, single submitter. Criteria: LabCorp Variant Classification Summary - May 2015. Collection method: clinical testing. Allele origin: germline.

Labcorp Genetics (formerly Invitae), Labcorp
Classification: Likely benign. Last evaluated: 2019-12-31. Review status: criteria provided, single submitter. Criteria: Invitae Variant Classification Sherloc (09022015). Collection method: clinical testing. Allele origin: germline.

Breakthrough Genomics
Classification: Likely benign. Review status: criteria provided, single submitter. Criteria: ACMG Guidelines, 2015. Collection method: not provided. Allele origin: germline. Inheritance: Autosomal dominant inheritance. Affected: yes.